The following is an entry in ClinVar:

ClinVar aggregate classification (germline): Pathogenic (1 of 4 stars; one submission).

Conditions:
Angelman syndrome-like. Identifiers: MedGen CN128785.
Developmental and epileptic encephalopathy, 2 (DEE2). Also called: INFANTILE SPASM SYNDROME, X-LINKED 2; CDKL5 deficiency disorder. Identifiers: Orphanet 1934, Orphanet 3451, Orphanet 505652, MedGen C4750718, MONDO:0010396, OMIM 300672.

Submission:

Labcorp Genetics (formerly Invitae), Labcorp
Classification: Pathogenic for Developmental and epileptic encephalopathy, 2; Angelman syndrome-like. Last evaluated: 2020-01-07. Review status: criteria provided, single submitter. Criteria: Invitae Variant Classification Sherloc (09022015). Collection method: clinical testing. Allele origin: germline.
Comment: This variant is not present in population databases (ExAC no frequency). This sequence change creates a premature translational stop signal (p.Asn869Ilefs*11) in the CDKL5 gene. It is expected to result in an absent or disrupted protein product. For these reasons, this variant has been classified as Pathogenic. This variant has not been reported in the literature in individuals with CDKL5-related conditions. Loss-of-function variants in CDKL5 are known to be pathogenic (PMID: 22872100).

Literature cited by the submitters: PubMed 22872100.

NM_001323289.2(CDKL5):c.2606del (p.Asn869fs)

Gene: CDKL5 (cyclin dependent kinase like 5; plus strand). Cytogenetic location: Xp22.13.
Variant type: Deletion.
Coding change: c.2606del on transcript NM_001323289.2 (MANE Select); coding-DNA position 2606, one base deleted (A; older notation c.2606delA).
Protein change: p.Asn869fs; shifts the reading frame from asparagine 869.
Molecular consequence: frameshift variant.
Genome position (GRCh38, 1-based): chrX:18,628,480, A deleted; the last of 5 consecutive A bases (chrX:18,628,476-18,628,480); deleting any one gives the same sequence. VCF-style (leftmost placement, unchanged base first): chrX-18628475-CA-C. GRCh37 (hg19) VCF-style: chrX-18646595-CA-C.
Other names: c.2606del, p.Asn869fs (NM_001037343.2, NM_003159.3); short protein forms N869fs.
Identifiers: ClinVar variation 1070205 (VCV001070205.11), dbSNP rs2147178971, ClinGen allele CA2499226527.